The following is an entry in ClinVar:

ClinVar aggregate classification (germline): Uncertain significance (1 of 4 stars; one submission).

gnomAD v4.1: 1 of 1,614,088 alleles (0.000062%); highest among the groups gnomAD compares: Non-Finnish European, 0.000085%; no homozygotes.

Submission:

GeneDx
Classification: Uncertain significance. Last evaluated: 2026-04-23. Review status: criteria provided, single submitter. Criteria: GeneDx Variant Classification Process June 2021. Collection method: clinical testing. Allele origin: germline.
Comment: Not observed at significant frequency in large population cohorts (gnomAD); In silico analysis supports that this missense variant has a deleterious effect on protein structure/function; Has not been previously published as pathogenic or benign to our knowledge

NM_002887.4(RARS1):c.1528C>T (p.His510Tyr)

Gene: RARS1 (arginyl-tRNA synthetase 1; plus strand). Cytogenetic location: 5q34.
Variant type: single nucleotide variant.
Coding change: c.1528C>T on transcript NM_002887.4 (MANE Select); coding-DNA position 1528, C replaced by T.
Protein change: p.His510Tyr; replaces histidine 510 with tyrosine.
Molecular consequence: missense variant.
Genome position (GRCh38, 1-based): chr5:168,516,853, C>T. VCF-style: chr5-168516853-C-T. GRCh37 (hg19) VCF-style: chr5-167943858-C-T.
Other names: short protein forms H510Y.
Identifiers: ClinVar variation 5037490 (VCV005037490.1).
Genomic context (GRCh38, chr5:168,516,853, plus strand): 5'-GAATTGAATGCTGCTCAGACATCCGTTGCGTATGGCTGCATCAAATATGCTGACCTTTCC[C>T]ATAACCGGTTGAATGACTACATCTTCTCCTTTGACAAAATGCTAGATGACAGAGGAAATA-3'
Protein context (NP_002878.2, residues 500-520): YGCIKYADLS[His510Tyr]NRLNDYIFSF